The following is an entry in ClinVar:

ClinVar aggregate classification (germline): Likely benign (1 of 4 stars; one submission).

Allele frequency attached by ClinVar (database versions not stated): gnomAD 0.00001.

Submission:

GeneDx
Classification: Likely benign. Last evaluated: 2016-08-03. Review status: criteria provided, single submitter. Criteria: GeneDx Variant Classification (06012015). Collection method: clinical testing. Allele origin: germline. Affected: yes.
Comment: This variant is considered likely benign or benign based on one or more of the following criteria: it is a conservative change, it occurs at a poorly conserved position in the protein, it is predicted to be benign by multiple in silico algorithms, and/or has population frequency not consistent with disease.

NM_000535.7(PMS2):c.*14A>G

Gene: PMS2 (PMS1 homolog 2, mismatch repair system component; minus strand). Cytogenetic location: 7p22.1.
Variant type: single nucleotide variant.
Coding change: c.*14A>G on transcript NM_000535.7 (MANE Select); 14 bases downstream of the stop codon, A replaced by G.
Molecular consequence: 3 prime UTR variant. On other transcripts: non-coding transcript variant (1).
Genome position (GRCh38, 1-based): chr7:5,973,385, T>C on the plus strand (A>G on the coding strand, the complement: PMS2 is on the minus strand). VCF-style: chr7-5973385-T-C. GRCh37 (hg19) VCF-style: chr7-6013016-T-C.
Other names: c.*14A>G (NM_001322003.2, NM_001322004.2, NM_001322005.2 and 10 more transcripts).
Identifiers: ClinVar variation 378391 (VCV000378391.1), dbSNP rs1057520349, ClinGen allele CA16605333.
Genomic context (GRCh38, chr7:5,973,385, plus strand): 5'-AGGTTAGTGAAGACTCTGTCTTTCAAAACATAAAAATCTGCGATAAAACCAATTATTCCA[T>C]ACAGTGACTACGGTCAGTTCTGAGAAATGACACCCAGGTTGGCGATGTGTCTCATGGTTG-3'